The following is an entry in ClinVar:

ClinVar aggregate classification (germline): Uncertain significance (1 of 4 stars; one submission).

Allele frequency attached by ClinVar (database versions not stated): TOPMed 0.00001; gnomAD 0.00002 and 0.00001.
gnomAD v4.1: 23 of 1,548,572 alleles (0.0015%); highest among the groups gnomAD compares: South Asian, 0.023%; no homozygotes.

Submission:

GeneDx
Classification: Uncertain significance. Last evaluated: 2026-09-15. Review status: criteria provided, single submitter. Criteria: GeneDx Variant Classification Process June 2021. Collection method: clinical testing. Allele origin: germline.
Comment: In silico analysis supports that this missense variant has a deleterious effect on protein structure/function; Has not been previously published as pathogenic or benign to our knowledge; This variant is associated with the following publications: (PMID: 27535533)

NM_004380.3(CREBBP):c.5891G>A (p.Arg1964His)

Gene: CREBBP (CREB binding lysine acetyltransferase; minus strand). Cytogenetic location: 16p13.3.
Variant type: single nucleotide variant.
Coding change: c.5891G>A on transcript NM_004380.3 (MANE Select); coding-DNA position 5891, G replaced by A.
Protein change: p.Arg1964His; replaces arginine 1964 with histidine.
Molecular consequence: missense variant.
Genome position (GRCh38, 1-based): chr16:3,729,156, C>T on the plus strand (G>A on the coding strand, the complement: CREBBP is on the minus strand). VCF-style: chr16-3729156-C-T. GRCh37 (hg19) VCF-style: chr16-3779157-C-T.
Other names: c.5777G>A, p.Arg1926His (NM_001079846.1); short protein forms R1926H, R1964H.
Identifiers: ClinVar variation 1204054 (VCV001204054.4), dbSNP rs867327595, ClinGen allele CA276971924.